The following is an entry in ClinVar:

NM_001267550.2(TTN):c.57803C>A (p.Pro19268Gln)

Genes: TTN (titin; minus strand), TTN-AS1 (TTN antisense RNA 1; plus strand). Cytogenetic location: 2q31.2.
Variant type: single nucleotide variant.
Coding change: c.57803C>A on transcript NM_001267550.2 (MANE Select); coding-DNA position 57803, C replaced by A.
Protein change: p.Pro19268Gln; replaces proline 19268 with glutamine.
Molecular consequence: missense variant.
Genome position (GRCh38, 1-based): chr2:178,595,551, G>T on the plus strand (C>A on the coding strand, the complement: TTN is on the minus strand). VCF-style: chr2-178595551-G-T. GRCh37 (hg19) VCF-style: chr2-179460278-G-T.
Other names: c.52880C>A, p.Pro17627Gln (NM_001256850.1); c.30608C>A, p.Pro10203Gln (NM_003319.4); c.50099C>A, p.Pro16700Gln (NM_133378.4); c.30983C>A, p.Pro10328Gln (NM_133432.3); c.31184C>A, p.Pro10395Gln (NM_133437.4); short protein forms P10203Q, P10328Q, P10395Q, P16700Q, P17627Q, P19268Q.
Identifiers: ClinVar variation 4874624 (VCV004874624.2).

ClinVar aggregate classification (germline): Uncertain significance (1 of 4 stars; one submission).

Submission:

CeGaT Center for Human Genetics Tuebingen
Classification: Uncertain significance. Last evaluated: 2026-04-01. Review status: criteria provided, single submitter. Criteria: CeGaT Center For Human Genetics Tuebingen Variant Classification Criteria Version 2. Collection method: clinical testing. Allele origin: germline. Affected: yes. Observed: 1 variant allele.
Comment: TTN: PM2